The following is an entry in ClinVar:

NM_002230.4(JUP):c.2074C>G (p.Pro692Ala)

Gene: JUP (junction plakoglobin; minus strand). Cytogenetic location: 17q21.2.
Variant type: single nucleotide variant.
Coding change: c.2074C>G on transcript NM_002230.4 (MANE Select); coding-DNA position 2074, C replaced by G.
Protein change: p.Pro692Ala; replaces proline 692 with alanine.
Molecular consequence: missense variant.
Genome position (GRCh38, 1-based): chr17:41,756,187, G>C on the plus strand (C>G on the coding strand, the complement: JUP is on the minus strand). VCF-style: chr17-41756187-G-C. GRCh37 (hg19) VCF-style: chr17-39912439-G-C.
Other names: c.2074C>G, p.Pro692Ala (NM_001352773.2, NM_001352774.2, NM_001352775.2 and 3 more transcripts); short protein forms P692A.
Identifiers: ClinVar variation 3750670 (VCV003750670.2).

ClinVar aggregate classification (germline): Uncertain significance (1 of 4 stars; one submission).

Conditions:
Naxos disease (NXD). Also called: KERATOSIS PALMOPLANTARIS WITH ARRHYTHMOGENIC CARDIOMYOPATHY; MAL DE NAXOS; PALMOPLANTAR KERATODERMA WITH ARRHYTHMOGENIC RIGHT VENTRICULAR CARDIOMYOPATHY AND WOOLLY HAIR; WOOLLY HAIR, PALMOPLANTAR KERATODERMA, AND CARDIAC ABNORMALITIES; CARDIOMYOPATHY, ARRHYTHMOGENIC RIGHT VENTRICULAR, WITH SKIN, HAIR, AND NAIL ABNORMALITIES. Identifiers: Orphanet 34217, MedGen C1832600, MONDO:0011017, OMIM 601214.
Arrhythmogenic right ventricular dysplasia 12. Also called: ARRHYTHMOGENIC RIGHT VENTRICULAR DYSPLASIA, FAMILIAL, 12. Identifiers: MedGen C1969081, MONDO:0012684, OMIM 611528.

Submission:

Labcorp Genetics (formerly Invitae), Labcorp
Classification: Uncertain significance for Arrhythmogenic right ventricular dysplasia 12; Naxos disease. Last evaluated: 2024-10-15. Review status: criteria provided, single submitter. Criteria: Invitae Variant Classification Sherloc (09022015). Collection method: clinical testing. Allele origin: germline.
Comment: This sequence change replaces proline, which is neutral and non-polar, with alanine, which is neutral and non-polar, at codon 692 of the JUP protein (p.Pro692Ala). This variant is not present in population databases (gnomAD no frequency). This variant has not been reported in the literature in individuals affected with JUP-related conditions. An algorithm developed to predict the effect of missense changes on protein structure and function (PolyPhen-2) suggests that this variant is likely to be tolerated. In summary, the available evidence is currently insufficient to determine the role of this variant in disease. Therefore, it has been classified as a Variant of Uncertain Significance.